The following is an entry in ClinVar:

NM_015272.5(RPGRIP1L):c.1323T>C (p.Leu441=)

Gene: RPGRIP1L (RPGRIP1 like; minus strand). Cytogenetic location: 16q12.2.
Variant type: single nucleotide variant.
Coding change: c.1323T>C on transcript NM_015272.5 (MANE Select); coding-DNA position 1323, T replaced by C.
Protein change: p.Leu441=; no amino-acid change (leucine 441 retained).
Molecular consequence: synonymous variant.
Genome position (GRCh38, 1-based): chr16:53,658,799, A>G on the plus strand (T>C on the coding strand, the complement: RPGRIP1L is on the minus strand). VCF-style: chr16-53658799-A-G. GRCh37 (hg19) VCF-style: chr16-53692711-A-G.
Other names: c.1323T>C, p.Leu441= (NM_001127897.4, NM_001308334.3, NM_001330538.2); c.1323T>C (NM_015272.4).
Identifiers: ClinVar variation 1086050 (VCV001086050.14), dbSNP rs376335724, ClinGen allele CA8057852.

ClinVar aggregate classification (germline): Conflicting classifications of pathogenicity. Review status: criteria provided, conflicting classifications (1 of 4 stars). 4 submissions from 4 submitters: Uncertain significance (1); Likely benign (2). 1 of the submissions does not count toward it. Last evaluated 2024-11-27.

Conditions:
Joubert syndrome. Also called: JOUBERT-BOLTSHAUSER SYNDROME; Familial aplasia of the vermis. Identifiers: Orphanet 475, MedGen C5979921, MONDO:0018772.
Meckel-Gruber syndrome. Also called: DYSENCEPHALIA SPLANCHNOCYSTICA; GRUBER SYNDROME; Dysencephalia splachnocystica. Identifiers: Orphanet 564, MedGen C0265215, MONDO:0018921.
RPGRIP1L-related disorder. Also called: RPGRIP1L-related condition; RPGRIP1L-related disorders. Identifiers: MedGen CN239416.

Allele frequency attached by ClinVar (database versions not stated): TOPMed 0.00002; gnomAD 0.00003 and 0.00004; gnomAD exomes 0.00003 and 0.00004; ExAC 0.00005; ESP Exome Variant Server 0.00015.
gnomAD v4.1: 46 of 1,605,532 alleles (0.0029%); highest among the groups gnomAD compares: Non-Finnish European, 0.0037%; no homozygotes.

Submissions (4):

Labcorp Genetics (formerly Invitae), Labcorp
Classification: Likely benign for Joubert syndrome; Meckel-Gruber syndrome. Last evaluated: 2024-11-27. Review status: criteria provided, single submitter. Criteria: Invitae Variant Classification Sherloc (09022015). Collection method: clinical testing. Allele origin: germline.

GeneDx
Classification: Uncertain significance. Last evaluated: 2023-02-02. Review status: criteria provided, single submitter. Criteria: GeneDx Variant Classification Process June 2021. Collection method: clinical testing. Allele origin: germline. Affected: yes.
Comment: Not observed at significant frequency in large population cohorts (gnomAD); In silico analysis supports that this variant does not alter splicing; Has not been previously published as pathogenic or benign to our knowledge

Blueprint Genetics
Classification: Likely benign. Last evaluated: 2022-11-10. Review status: criteria provided, single submitter. Criteria: ACMG Guidelines, 2015. Collection method: clinical testing. Allele origin: germline.

PreventionGenetics, part of Exact Sciences
Classification: Likely benign for RPGRIP1L-related condition. Last evaluated: 2022-06-22. Review status: no assertion criteria provided. Collection method: clinical testing. Allele origin: germline. Not counted in ClinVar's aggregate classification.
Comment: This variant is classified as likely benign based on ACMG/AMP sequence variant interpretation guidelines (Richards et al. 2015 PMID: 25741868, with internal and published modifications).